The following is an entry in ClinVar:

ClinVar aggregate classification (germline): Uncertain significance (1 of 4 stars; one submission).

Conditions:
Multiple congenital anomalies-hypotonia-seizures syndrome 3 (MCAHS3). Also called: GLYCOSYLPHOSPHATIDYLINOSITOL BIOSYNTHESIS DEFECT 7. Identifiers: Orphanet 369837, MedGen C3809356, MONDO:0014165, OMIM 615398.

Allele frequency attached by ClinVar (database versions not stated): ExAC 0.00002; TOPMed 0.00003; gnomAD 0.00006.
gnomAD v4.1: 34 of 1,612,546 alleles (0.0021%); highest among the groups gnomAD compares: Admixed American, 0.02%; no homozygotes.

Submission:

Labcorp Genetics (formerly Invitae), Labcorp
Classification: Uncertain significance for Multiple congenital anomalies-hypotonia-seizures syndrome 3. Last evaluated: 2022-11-15. Review status: criteria provided, single submitter. Criteria: Invitae Variant Classification Sherloc (09022015). Collection method: clinical testing. Allele origin: germline.
Comment: This variant has not been reported in the literature in individuals affected with PIGT-related conditions. This variant is present in population databases (rs758888947, gnomAD 0.01%). This sequence change replaces arginine, which is basic and polar, with histidine, which is basic and polar, at codon 223 of the PIGT protein (p.Arg223His). In summary, the available evidence is currently insufficient to determine the role of this variant in disease. Therefore, it has been classified as a Variant of Uncertain Significance. Advanced modeling of protein sequence and biophysical properties (such as structural, functional, and spatial information, amino acid conservation, physicochemical variation, residue mobility, and thermodynamic stability) has been performed at Invitae for this missense variant, however the output from this modeling did not meet the statistical confidence thresholds required to predict the impact of this variant on PIGT protein function.

NM_015937.6(PIGT):c.668G>A (p.Arg223His)

Gene: PIGT (phosphatidylinositol glycan anchor biosynthesis class T; plus strand). Cytogenetic location: 20q13.12.
Variant type: single nucleotide variant.
Coding change: c.668G>A on transcript NM_015937.6 (MANE Select); coding-DNA position 668, G replaced by A.
Protein change: p.Arg223His; replaces arginine 223 with histidine.
Molecular consequence: missense variant. On other transcripts: non-coding transcript variant (5).
Genome position (GRCh38, 1-based): chr20:45,419,577, G>A. VCF-style: chr20-45419577-G-A. GRCh37 (hg19) VCF-style: chr20-44048217-G-A.
Other names: c.500G>A, p.Arg167His (NM_001184728.3); c.668G>A, p.Arg223His (NM_001184729.3); c.362G>A, p.Arg121His (NM_001184730.3); short protein forms R121H, R167H, R223H.
Identifiers: ClinVar variation 2062041 (VCV002062041.2), dbSNP rs758888947, ClinGen allele CA9877993.